The following is an entry in ClinVar:

ClinVar aggregate classification (germline): Uncertain significance (1 of 4 stars; one submission).

Allele frequency attached by ClinVar (database versions not stated): gnomAD exomes below 0.00001.
gnomAD v4.1: 2 of 1,601,672 alleles (0.00012%); highest among the groups gnomAD compares: African/African-American, 0.0027%; no homozygotes.

Submission:

Labcorp Genetics (formerly Invitae), Labcorp
Classification: Uncertain significance. Last evaluated: 2023-08-04. Review status: criteria provided, single submitter. Criteria: Invitae Variant Classification Sherloc (09022015). Collection method: clinical testing. Allele origin: germline.
Comment: In summary, the available evidence is currently insufficient to determine the role of this variant in disease. Therefore, it has been classified as a Variant of Uncertain Significance. Advanced modeling of protein sequence and biophysical properties (such as structural, functional, and spatial information, amino acid conservation, physicochemical variation, residue mobility, and thermodynamic stability) performed at Invitae indicates that this missense variant is not expected to disrupt SLC26A5 protein function. ClinVar contains an entry for this variant (Variation ID: 1373410). This variant has not been reported in the literature in individuals affected with SLC26A5-related conditions. This variant is not present in population databases (gnomAD no frequency). This sequence change replaces threonine, which is neutral and polar, with serine, which is neutral and polar, at codon 738 of the SLC26A5 protein (p.Thr738Ser).

NM_198999.3(SLC26A5):c.2212A>T (p.Thr738Ser)

Gene: SLC26A5 (solute carrier family 26 member 5; minus strand). Cytogenetic location: 7q22.1.
Variant type: single nucleotide variant.
Coding change: c.2212A>T on transcript NM_198999.3 (MANE Select); coding-DNA position 2212, A replaced by T.
Protein change: p.Thr738Ser; replaces threonine 738 with serine.
Molecular consequence: missense variant. On other transcripts: non-coding transcript variant (4), intron variant (4).
Genome position (GRCh38, 1-based): chr7:103,374,422, T>A on the plus strand (A>T on the coding strand, the complement: SLC26A5 is on the minus strand). VCF-style: chr7-103374422-T-A. GRCh37 (hg19) VCF-style: chr7-103014869-T-A.
Other names: c.2116A>T, p.Thr706Ser (NM_001167962.2); c.972-21496A>T (NM_206885.3); c.1945+2386A>T (NM_001321787.2); c.1514+14586A>T (NM_206884.3); c.2041+2386A>T (NM_206883.3); short protein forms T738S, T706S.
Identifiers: ClinVar variation 1373410 (VCV001373410.8), dbSNP rs200923483, ClinGen allele CA368749505.